The following is an entry in ClinVar:

NM_001371986.1(UNC80):c.2045G>T (p.Cys682Phe)

Gene: UNC80 (unc-80 homolog, NALCN channel complex subunit; plus strand). Cytogenetic location: 2q34.
Variant type: single nucleotide variant.
Coding change: c.2045G>T on transcript NM_001371986.1 (MANE Select); coding-DNA position 2045, G replaced by T.
Protein change: p.Cys682Phe; replaces cysteine 682 with phenylalanine.
Molecular consequence: missense variant.
Genome position (GRCh38, 1-based): chr2:209,820,393, G>T. VCF-style: chr2-209820393-G-T. GRCh37 (hg19) VCF-style: chr2-210685117-G-T.
Other names: c.2045G>T, p.Cys682Phe (NM_032504.2, NM_182587.4); short protein forms C682F.
Identifiers: ClinVar variation 1507677 (VCV001507677.5), dbSNP rs61738497, ClinGen allele CA64669294.
Genomic context (GRCh38, chr2:209,820,393, plus strand): 5'-TTGTCCTTAATCATGACATCAGCTCTCGTATCTGTGACGTGGCGCTAAACATTGTGGAAT[G>T]CTTGCTTCAACTTGGTGTGGTGCCCTGTGTAGAAAAGAATAGAAAGAAGAGTGAAAACAA-3'
Protein context (NP_001358915.1, residues 672-692): ICDVALNIVE[Cys682Phe]LLQLGVVPCV

ClinVar aggregate classification (germline): Uncertain significance (1 of 4 stars; one submission).

Allele frequency attached by ClinVar (database versions not stated): gnomAD exomes 0.00001; gnomAD 0.00003 and 0.00004; TOPMed 0.00003.
gnomAD v4.1: 10 of 1,551,856 alleles (0.00064%); highest among the groups gnomAD compares: African/African-American, 0.0082%; no homozygotes.

Submission:

Labcorp Genetics (formerly Invitae), Labcorp
Classification: Uncertain significance. Last evaluated: 2022-08-09. Review status: criteria provided, single submitter. Criteria: Invitae Variant Classification Sherloc (09022015). Collection method: clinical testing. Allele origin: germline.
Comment: This sequence change replaces cysteine, which is neutral and slightly polar, with phenylalanine, which is neutral and non-polar, at codon 682 of the UNC80 protein (p.Cys682Phe). This variant is present in population databases (rs61738497, gnomAD 0.02%). This variant has not been reported in the literature in individuals affected with UNC80-related conditions. ClinVar contains an entry for this variant (Variation ID: 1507677). Algorithms developed to predict the effect of missense changes on protein structure and function are either unavailable or do not agree on the potential impact of this missense change (SIFT: "Not Available"; PolyPhen-2: "Probably Damaging"; Align-GVGD: "Not Available"). In summary, the available evidence is currently insufficient to determine the role of this variant in disease. Therefore, it has been classified as a Variant of Uncertain Significance.